The following is an entry in ClinVar:

NM_201384.3(PLEC):c.1816-4A>G

Gene: PLEC (plectin; minus strand). Cytogenetic location: 8q24.3.
Variant type: single nucleotide variant.
Coding change: c.1816-4A>G on transcript NM_201384.3 (MANE Select); 4 bases into the intron before coding-DNA position 1816, A replaced by G.
Molecular consequence: intron variant.
Genome position (GRCh38, 1-based): chr8:143,932,565, T>C on the plus strand (A>G on the coding strand, the complement: PLEC is on the minus strand). VCF-style: chr8-143932565-T-C. GRCh37 (hg19) VCF-style: chr8-145006733-T-C.
Other names: c.1897-4A>G (NM_001410941.1, NM_000445.5, NM_000445.4); c.1774-4A>G (NM_201378.4); c.1750-4A>G (NM_201379.3); c.2227-4A>G (NM_201380.4); c.1720-4A>G (NM_201381.3); c.1816-4A>G (NM_201382.4); c.1828-4A>G (NM_201383.3).
Identifiers: ClinVar variation 3751600 (VCV003751600.3).

ClinVar aggregate classification (germline): Likely benign. Review status: criteria provided, multiple submitters, no conflicts (2 of 4 stars). 2 submissions from 2 submitters: Likely benign (2). Last evaluated 2026-06-11.

Conditions:
Epidermolysis bullosa simplex 5C, with pyloric atresia (EBS5C). Also called: PLEC-Related Epidermolysis Bullosa with Pyloric Atresia; Epidermolysis bullosa simplex with pyloric atresia; PLEC1-Related Epidermolysis Bullosa with Pyloric Atresia. Identifiers: Orphanet 158684, MedGen C2677349, MONDO:0012807, OMIM 612138.
Epidermolysis bullosa simplex with nail dystrophy (EBS5D). Identifiers: MedGen C4225309, MONDO:0014661, OMIM 616487.
Epidermolysis bullosa simplex 5B, with muscular dystrophy (EBS5B). Also called: EPIDERMOLYSIS BULLOSA SIMPLEX AND LIMB-GIRDLE MUSCULAR DYSTROPHY; Epidermolysis bullosa simplex with muscular dystrophy. Identifiers: Orphanet 257, MedGen C2931072, MONDO:0009181, OMIM 226670.
Epidermolysis bullosa simplex, Ogna type (EBS5A). Also called: Pidermolysis bullosa simplex 5A, Ogna type; EPIDERMOLYSIS BULLOSA SIMPLEX 5A, OGNA TYPE. Identifiers: Orphanet 79401, MedGen C0432317, MONDO:0007555, OMIM 131950.
Autosomal recessive limb-girdle muscular dystrophy type 2Q (LGMDR17). Also called: MUSCULAR DYSTROPHY, LIMB-GIRDLE, AUTOSOMAL RECESSIVE 17. Identifiers: Orphanet 254361, MedGen C3150989, MONDO:0013390, OMIM 613723.
PLEC-related disorder. Also called: PLEC-related condition; PLEC-related disorders.

gnomAD v4.1: 22 of 1,612,300 alleles (0.0014%); highest among the groups gnomAD compares: Non-Finnish European, 0.0017%; no homozygotes.

Submissions (2):

PreventionGenetics, part of Exact Sciences
Classification: Likely benign for PLEC-related condition. Last evaluated: 2026-06-11. Review status: criteria provided, single submitter. Criteria: ACMG Guidelines, 2015. Collection method: clinical testing. Allele origin: germline.
Comment: This variant is classified as likely benign based on ACMG/AMP sequence variant interpretation guidelines (Richards et al. 2015 PMID: 25741868, with internal and published modifications).

Labcorp Genetics (formerly Invitae), Labcorp
Classification: Likely benign for Autosomal recessive limb-girdle muscular dystrophy type 2Q; Epidermolysis bullosa simplex, Ogna type; Epidermolysis bullosa simplex with nail dystrophy; Epidermolysis bullosa simplex 5C, with pyloric atresia; Epidermolysis bullosa simplex 5B, with muscular dystrophy. Last evaluated: 2026-01-06. Review status: criteria provided, single submitter. Criteria: Invitae Variant Classification Sherloc (09022015). Collection method: clinical testing. Allele origin: germline.